The following is an entry in ClinVar:

NM_001289104.2(PRKCSH):c.*185T>C

Gene: PRKCSH (PRKCSH beta subunit of glucosidase II; plus strand). Cytogenetic location: 19p13.2.
Variant type: single nucleotide variant.
Coding change: c.*185T>C on transcript NM_001289104.2 (MANE Select); 185 bases downstream of the stop codon, T replaced by C.
Molecular consequence: 3 prime UTR variant.
Genome position (GRCh38, 1-based): chr19:11,450,814, T>C. VCF-style: chr19-11450814-T-C. GRCh37 (hg19) VCF-style: chr19-11561629-T-C.
Other names: c.*185T>C (NM_001001329.3, NM_001289102.2, NM_001289103.2 and 3 more transcripts).
Identifiers: ClinVar variation 328201 (VCV000328201.6), dbSNP rs8616, ClinGen allele CA10652240.

ClinVar aggregate classification (germline): Benign. Review status: criteria provided, multiple submitters, no conflicts (2 of 4 stars). 2 submissions from 2 submitters: Benign (2). Last evaluated 2018-01-12.

Conditions:
Polycystic liver disease 1 (PCLD1). Also called: Polycystic liver disease 1 with or without kidney cysts. Identifiers: Orphanet 2924, MedGen C0887850, MONDO:0008265, OMIM 174050.

Allele frequency attached by ClinVar (database versions not stated): TOPMed 0.17017; 1000 Genomes Project 0.18431; gnomAD 0.15454 and 0.15997; gnomAD exomes 0.07813; 1000 Genomes Project 30x 0.18535.

Submissions (2):

Illumina Laboratory Services, Illumina
Classification: Benign for Polycystic liver disease 1. Last evaluated: 2018-01-12. Review status: criteria provided, single submitter. Criteria: ICSL Variant Classification Criteria 13 December 2019. Collection method: clinical testing. Allele origin: germline.
Comment: This variant was observed in the ICSL laboratory as part of a predisposition screen in an ostensibly healthy population. It had not been previously curated by ICSL or reported in the Human Gene Mutation Database (HGMD: prior to June 1st, 2018), and was therefore a candidate for classification through an automated scoring system. Utilizing variant allele frequency, disease prevalence and penetrance estimates, and inheritance mode, an automated score was calculated to assess if this variant is too frequent to cause the disease. Based on the score and internal cut-off values, a variant classified as benign is not then subjected to further curation. The score for this variant resulted in a classification of benign for this disease.

Breakthrough Genomics
Classification: Benign. Review status: criteria provided, single submitter. Criteria: ACMG Guidelines, 2015. Collection method: not provided. Allele origin: germline. Inheritance: Autosomal dominant inheritance. Affected: yes.